The following is an entry in ClinVar:

NM_006516.4(SLC2A1):c.517-3C>T

Gene: SLC2A1 (solute carrier family 2 member 1; minus strand). Cytogenetic location: 1p34.2.
Variant type: single nucleotide variant.
Coding change: c.517-3C>T on transcript NM_006516.4 (MANE Select); 3 bases into the intron before coding-DNA position 517, C replaced by T.
Molecular consequence: intron variant.
Genome position (GRCh38, 1-based): chr1:42,930,038, G>A on the plus strand (C>T on the coding strand, the complement: SLC2A1 is on the minus strand). VCF-style: chr1-42930038-G-A. GRCh37 (hg19) VCF-style: chr1-43395709-G-A.
Identifiers: ClinVar variation 3022668 (VCV003022668.3), dbSNP rs1182879938, ClinGen allele CA2558141178.

ClinVar aggregate classification (germline): Uncertain significance (1 of 4 stars; one submission).

Conditions:
GLUT1 deficiency syndrome 1, autosomal recessive. Identifiers: MedGen C3149117.

Submission:

Labcorp Genetics (formerly Invitae), Labcorp
Classification: Uncertain significance for GLUT1 deficiency syndrome 1, autosomal recessive. Last evaluated: 2024-06-23. Review status: criteria provided, single submitter. Criteria: Invitae Variant Classification Sherloc (09022015). Collection method: clinical testing. Allele origin: germline.
Comment: This sequence change falls in intron 4 of the SLC2A1 gene. It does not directly change the encoded amino acid sequence of the SLC2A1 protein. It affects a nucleotide within the consensus splice site. This variant is not present in population databases (gnomAD no frequency). This variant has not been reported in the literature in individuals affected with SLC2A1-related conditions. Variants that disrupt the consensus splice site are a relatively common cause of aberrant splicing (PMID: 17576681, 9536098). Algorithms developed to predict the effect of sequence changes on RNA splicing suggest that this variant is not likely to affect RNA splicing. In summary, the available evidence is currently insufficient to determine the role of this variant in disease. Therefore, it has been classified as a Variant of Uncertain Significance.

Literature cited by the submitters: PubMed 17576681; PubMed 9536098.